The following is an entry in ClinVar:

ClinVar aggregate classification (germline): Uncertain significance (1 of 4 stars; one submission).

Conditions:
Potassium-aggravated myotonia. Also called: MYOTONIA CONGENITA, ACETAZOLAMIDE-RESPONSIVE; MYOTONIA CONGENITA, ATYPICAL; SODIUM CHANNEL MUSCLE DISEASE; Myotonia congenita, atypical, acetazolamide-responsive. Identifiers: Orphanet 612, Orphanet 99734, Orphanet 99735, Orphanet 99736, MedGen C2931826, MONDO:0018959, OMIM 608390.
Paramyotonia congenita of Von Eulenburg. Also called: PARALYSIS PERIODICA PARAMYOTONICA; Paramyotonia Congenita; Eulenburg disease; Myotonia congenita intermittens; Von Eulenburg paramyotonia congenita. Identifiers: Orphanet 684, MedGen C0221055, MONDO:0008195, OMIM 168300. Disease mechanism: loss of function.
Hypokalemic periodic paralysis, type 2 (HOKPP2). Identifiers: Orphanet 681, MedGen C2750061, MONDO:0013234, OMIM 613345.
Hyperkalemic periodic paralysis. Also called: Familial hyperkalemic periodic paralysis; Gamstorp disease. Identifiers: Orphanet 682, MedGen C0238357, MONDO:0008224, OMIM 170500, HP:0007215.
Congenital myasthenic syndrome 16. Identifiers: Orphanet 590, MedGen C3280112, MONDO:0013620, OMIM 614198.

Submission:

Laboratorio de Genetica e Diagnostico Molecular, Hospital Israelita Albert Einstein
Classification: Uncertain significance for Paramyotonia congenita of Von Eulenburg; Hyperkalemic periodic paralysis; Potassium-aggravated myotonia; Hypokalemic periodic paralysis, type 2; Congenital myasthenic syndrome 16. Last evaluated: 2022-02-14. Review status: criteria provided, single submitter. Criteria: ACMG Guidelines, 2015. Collection method: clinical testing. Allele origin: germline. Affected: yes.
Comment: ACMG classification criteria: PM2 moderate

NM_000334.4(SCN4A):c.2903C>A (p.Ala968Asp)

Genes: GH-LCR (growth hormone locus control region; plus strand), SCN4A (sodium voltage-gated channel alpha subunit 4; minus strand). Cytogenetic location: 17q23.3.
Variant type: single nucleotide variant.
Coding change: c.2903C>A on transcript NM_000334.4 (MANE Select); coding-DNA position 2903, C replaced by A.
Protein change: p.Ala968Asp; replaces alanine 968 with aspartic acid.
Molecular consequence: missense variant.
Genome position (GRCh38, 1-based): chr17:63,949,479, G>T on the plus strand (C>A on the coding strand, the complement: SCN4A is on the minus strand). VCF-style: chr17-63949479-G-T. GRCh37 (hg19) VCF-style: chr17-62026839-G-T.
Other names: short protein forms A968D.
Identifiers: ClinVar variation 1683503 (VCV001683503.2), dbSNP rs757322725, ClinGen allele CA400622483.